The following is an entry in ClinVar:

ClinVar aggregate classification (germline): Uncertain significance (1 of 4 stars; one submission).

Conditions:
Dilated cardiomyopathy 1O (CMD1O). Also called: CARDIOMYOPATHY, DILATED, WITH VENTRICULAR TACHYCARDIA. Identifiers: Orphanet 154, MedGen C1837839, MONDO:0012062, OMIM 608569.

Allele frequency attached by ClinVar (database versions not stated): TOPMed 0.00001; gnomAD exomes 0.00002 and 0.00003; ExAC 0.00003.
gnomAD v4.1: 11 of 1,613,834 alleles (0.00068%); highest among the groups gnomAD compares: Non-Finnish European, 0.00034%; no homozygotes.

Submission:

Labcorp Genetics (formerly Invitae), Labcorp
Classification: Uncertain significance for Dilated cardiomyopathy 1O. Last evaluated: 2020-06-21. Review status: criteria provided, single submitter. Criteria: Invitae Variant Classification Sherloc (09022015). Collection method: clinical testing. Allele origin: germline.
Comment: In summary, the available evidence is currently insufficient to determine the role of this variant in disease. Therefore, it has been classified as a Variant of Uncertain Significance. Nucleotide substitutions within the consensus splice site are a relatively common cause of aberrant splicing (PMID: 17576681, 9536098). Algorithms developed to predict the effect of sequence changes on RNA splicing suggest that this variant may disrupt the consensus splice site, but this prediction has not been confirmed by published transcriptional studies. This variant has not been reported in the literature in individuals with ABCC9-related conditions. This variant is present in population databases (rs779917008, ExAC 0.006%). This sequence change falls in intron 21 of the ABCC9 gene. It does not directly change the encoded amino acid sequence of the ABCC9 protein, but it affects a nucleotide within the consensus splice site of the intron.

Literature cited by the submitters: PubMed 17576681; PubMed 9536098.

NM_020297.4(ABCC9):c.2644-3T>G

Gene: ABCC9 (ATP binding cassette subfamily C member 9; minus strand). Cytogenetic location: 12p12.1.
Variant type: single nucleotide variant.
Coding change: c.2644-3T>G on transcript NM_020297.4 (MANE Select); 3 bases into the intron before coding-DNA position 2644, T replaced by G.
Molecular consequence: intron variant.
Genome position (GRCh38, 1-based): chr12:21,852,225, A>C on the plus strand (T>G on the coding strand, the complement: ABCC9 is on the minus strand). VCF-style: chr12-21852225-A-C. GRCh37 (hg19) VCF-style: chr12-22005159-A-C.
Other names: c.1777-3T>G (NM_001377274.1); c.2644-3T>G (NM_005691.4, NM_001377273.1).
Identifiers: ClinVar variation 1006165 (VCV001006165.9), dbSNP rs779917008, ClinGen allele CA6481306.